The following is an entry in ClinVar:

ClinVar aggregate classification (germline): Uncertain significance (0 of 4 stars; one submission).

Conditions:
Prostate cancer. Also called: Malignant tumor of prostate. Identifiers: Orphanet 1331, MedGen C0376358, MONDO:0008315, HP:0012125.

Submission:

Science for Life laboratory,  Karolinska Institutet
Classification: Uncertain significance for Malignant tumor of prostate. Review status: no assertion criteria provided. Collection method: not provided. Allele origin: somatic.
Comment: TumorID:SWE-2
ClinVar note: Converted during submission from Unknown to Uncertain significance.

NM_018092.5(NETO2):c.1532G>C (p.Arg511Thr)

Gene: NETO2 (neuropilin and tolloid like 2; minus strand). Cytogenetic location: 16q12.1.
Variant type: single nucleotide variant.
Coding change: c.1532G>C on transcript NM_018092.5 (MANE Select); coding-DNA position 1532, G replaced by C.
Protein change: p.Arg511Thr; replaces arginine 511 with threonine.
Molecular consequence: missense variant.
Genome position (GRCh38, 1-based): chr16:47,083,267, C>G on the plus strand (G>C on the coding strand, the complement: NETO2 is on the minus strand). VCF-style: chr16-47083267-C-G. GRCh37 (hg19) VCF-style: chr16-47117178-C-G.
Other names: c.1511G>C, p.Arg504Thr (NM_001201477.2); short protein forms R511T, R504T.
Identifiers: ClinVar variation 161712 (VCV000161712.2), dbSNP rs193920943, ClinGen allele CA174644.